The following is an entry in ClinVar:

ClinVar aggregate classification (germline): Uncertain significance (1 of 4 stars; one submission).

Conditions:
Asphyxiating thoracic dystrophy 5 (SRTD5). Also called: SHORT-RIB THORACIC DYSPLASIA 5 WITH OR WITHOUT POLYDACTYLY; SHORT-RIB THORACIC DYSPLASIA 5 WITHOUT POLYDACTYLY. Identifiers: Orphanet 474, MedGen C3280598, MONDO:0013717, OMIM 614376.
Senior-Loken syndrome 8 (SLSN8). Identifiers: Orphanet 3156, MedGen C4225376, MONDO:0014579, OMIM 616307.

Allele frequency attached by ClinVar (database versions not stated): gnomAD exomes below 0.00001; ExAC 0.00001; gnomAD 0.00001; TOPMed 0.00001.
gnomAD v4.1: 2 of 1,603,754 alleles (0.00012%); highest among the groups gnomAD compares: African/African-American, 0.0027%; no homozygotes.

Submission:

Labcorp Genetics (formerly Invitae), Labcorp
Classification: Uncertain significance for Senior-Loken syndrome 8; Asphyxiating thoracic dystrophy 5. Last evaluated: 2022-06-13. Review status: criteria provided, single submitter. Criteria: Invitae Variant Classification Sherloc (09022015). Collection method: clinical testing. Allele origin: germline.
Comment: This sequence change replaces glycine, which is neutral and non-polar, with valine, which is neutral and non-polar, at codon 965 of the WDR19 protein (p.Gly965Val). This variant is present in population databases (rs778314721, gnomAD 0.007%). This variant has not been reported in the literature in individuals affected with WDR19-related conditions. ClinVar contains an entry for this variant (Variation ID: 933720). Algorithms developed to predict the effect of missense changes on protein structure and function are either unavailable or do not agree on the potential impact of this missense change (SIFT: "Deleterious"; PolyPhen-2: "Possibly Damaging"; Align-GVGD: "Class C0"). In summary, the available evidence is currently insufficient to determine the role of this variant in disease. Therefore, it has been classified as a Variant of Uncertain Significance.

NM_025132.4(WDR19):c.2894G>T (p.Gly965Val)

Gene: WDR19 (WD repeat domain 19; plus strand). Cytogenetic location: 4p14.
Variant type: single nucleotide variant.
Coding change: c.2894G>T on transcript NM_025132.4 (MANE Select); coding-DNA position 2894, G replaced by T.
Protein change: p.Gly965Val; replaces glycine 965 with valine.
Molecular consequence: missense variant.
Genome position (GRCh38, 1-based): chr4:39,253,923, G>T. VCF-style: chr4-39253923-G-T. GRCh37 (hg19) VCF-style: chr4-39255543-G-T.
Other names: c.2414G>T, p.Gly805Val (NM_001317924.2); short protein forms G805V, G965V.
Identifiers: ClinVar variation 933720 (VCV000933720.9), dbSNP rs778314721, ClinGen allele CA2892219.